The following is an entry in ClinVar:

ClinVar aggregate classification (germline): Conflicting classifications of pathogenicity. Review status: criteria provided, conflicting classifications (1 of 4 stars). 5 submissions from 5 submitters: Uncertain significance (4); Likely benign (1). Last evaluated 2025-11-12.

Conditions:
PDGFRB-related disorder. Also called: PDGFRB-related condition.
Acroosteolysis-keloid-like lesions-premature aging syndrome. Also called: Progeroid syndrome, Penttinen type; Premature aging syndrome, Penttinen type; Prematurely aged appearance, delayed bone maturation, acro-osteolysis, and brachydactyly. Identifiers: Orphanet 363665, MedGen C1866182, MONDO:0011150, OMIM 601812.
Infantile myofibromatosis (IMF). Also called: Congenital generalized fibromatosis. Identifiers: Orphanet 2591, MedGen C0432284, MONDO:0016824.
Skeletal overgrowth-craniofacial dysmorphism-hyperelastic skin-white matter lesions syndrome. Also called: SKELETAL OVERGROWTH WITH FACIAL DYSMORPHISM, HYPERELASTIC SKIN, WHITE MATTER LESIONS, AND NEUROLOGIC DETERIORATION; Kosaki overgrowth syndrome. Identifiers: Orphanet 477831, MedGen C4225270, MONDO:0014704, OMIM 616592.
Basal ganglia calcification, idiopathic, 4 (PFBC4). Also called: Familial Idiopathic Basal Ganglia Calcification 4; PRIMARY FAMILIAL BRAIN CALCIFICATION 4, AUTOSOMAL DOMINANT. Identifiers: Orphanet 1980, MedGen C3554321, MONDO:0014004, OMIM 615007.
Inborn genetic diseases. Identifiers: MedGen C0950123, MeSH D030342.

Allele frequency attached by ClinVar (database versions not stated): TOPMed 0.00004; gnomAD 0.00006; ExAC 0.00003; ESP Exome Variant Server 0.00015; gnomAD exomes 0.00004.
gnomAD v4.1: 65 of 1,613,870 alleles (0.004%); highest among the groups gnomAD compares: African/African-American, 0.0053%; no homozygotes.

Submissions (5):

GeneDx
Classification: Uncertain significance. Last evaluated: 2025-11-12. Review status: criteria provided, single submitter. Criteria: GeneDx Variant Classification Process June 2021. Collection method: clinical testing. Allele origin: germline. Affected: yes.
Comment: In silico analysis supports that this missense variant has a deleterious effect on protein structure/function; Has not been previously published as pathogenic or benign to our knowledge

CeGaT Center for Human Genetics Tuebingen
Classification: Likely benign. Last evaluated: 2025-09-01. Review status: criteria provided, single submitter. Criteria: CeGaT Center For Human Genetics Tuebingen Variant Classification Criteria Version 2. Collection method: clinical testing. Allele origin: germline. Affected: yes. Observed: 1 variant allele.
Comment: PDGFRB: BP4

Labcorp Genetics (formerly Invitae), Labcorp
Classification: Uncertain significance for Basal ganglia calcification, idiopathic, 4; Skeletal overgrowth-craniofacial dysmorphism-hyperelastic skin-white matter lesions syndrome; Infantile myofibromatosis; Acroosteolysis-keloid-like lesions-premature aging syndrome. Last evaluated: 2025-08-15. Review status: criteria provided, single submitter. Criteria: Invitae Variant Classification Sherloc (09022015). Collection method: clinical testing. Allele origin: germline.
Comment: This sequence change replaces arginine, which is basic and polar, with tryptophan, which is neutral and slightly polar, at codon 256 of the PDGFRB protein (p.Arg256Trp). This variant is present in population databases (rs147568171, gnomAD 0.008%). This variant has not been reported in the literature in individuals affected with PDGFRB-related conditions. ClinVar contains an entry for this variant (Variation ID: 452355). Invitae Evidence Modeling of protein sequence and biophysical properties (such as structural, functional, and spatial information, amino acid conservation, physicochemical variation, residue mobility, and thermodynamic stability) indicates that this missense variant is not expected to disrupt PDGFRB protein function with a negative predictive value of 80%. Algorithms developed to predict the effect of sequence changes on RNA splicing suggest that this variant may create or strengthen a splice site. In summary, the available evidence is currently insufficient to determine the role of this variant in disease. Therefore, it has been classified as a Variant of Uncertain Significance.

PreventionGenetics, part of Exact Sciences
Classification: Uncertain significance for PDGFRB-related condition. Last evaluated: 2025-05-31. Review status: criteria provided, single submitter. Criteria: ACMG Guidelines, 2015. Collection method: clinical testing. Allele origin: germline.
Comment: The PDGFRB c.766C>T variant is predicted to result in the amino acid substitution p.Arg256Trp. To our knowledge, this variant has not been reported in the literature. This variant is reported in 0.0080% of alleles in individuals of African descent in gnomAD. At this time, the clinical significance of this variant is uncertain due to the absence of conclusive functional and genetic evidence.

Ambry Genetics
Classification: Uncertain significance for Inborn genetic diseases. Last evaluated: 2024-11-08. Review status: criteria provided, single submitter. Criteria: Ambry Variant Classification Scheme 2023. Collection method: clinical testing. Allele origin: germline.

NM_002609.4(PDGFRB):c.766C>T (p.Arg256Trp)

Gene: PDGFRB (platelet derived growth factor receptor beta; minus strand). Cytogenetic location: 5q32.
Variant type: single nucleotide variant.
Coding change: c.766C>T on transcript NM_002609.4 (MANE Select); coding-DNA position 766, C replaced by T.
Protein change: p.Arg256Trp; replaces arginine 256 with tryptophan.
Molecular consequence: missense variant.
Genome position (GRCh38, 1-based): chr5:150,133,754, G>A on the plus strand (C>T on the coding strand, the complement: PDGFRB is on the minus strand). VCF-style: chr5-150133754-G-A. GRCh37 (hg19) VCF-style: chr5-149513317-G-A.
Other names: c.574C>T, p.Arg192Trp (NM_001355016.2); c.283C>T, p.Arg95Trp (NM_001355017.2); short protein forms R256W, R95W, R192W.
Identifiers: ClinVar variation 452355 (VCV000452355.16), dbSNP rs147568171, ClinGen allele CA3508193.